The following is an entry in ClinVar:

ClinVar aggregate classification (germline): Uncertain significance (1 of 4 stars; one submission).

Conditions:
Hereditary cancer-predisposing syndrome. Also called: Tumor predisposition; Neoplastic Syndromes, Hereditary; Hereditary neoplastic syndrome; Hereditary Cancer Syndrome. Identifiers: Orphanet 140162, MedGen C0027672, MeSH D009386, MONDO:0015356.

Submission:

Ambry Genetics
Classification: Uncertain significance for Hereditary cancer-predisposing syndrome. Last evaluated: 2025-08-27. Review status: criteria provided, single submitter. Criteria: Ambry Variant Classification Scheme 2023. Collection method: clinical testing. Allele origin: germline.
Comment: The p.C51S variant (also known as c.152G>C), located in coding exon 2 of the MUTYH gene, results from a G to C substitution at nucleotide position 152. The cysteine at codon 51 is replaced by serine, an amino acid with dissimilar properties. This amino acid position is conserved. In addition, this alteration is predicted to be tolerated by in silico analysis. Based on the available evidence, the clinical significance of this variant remains unclear.

NM_001048174.2(MUTYH):c.110G>C (p.Cys37Ser)

Gene: MUTYH (mutY DNA glycosylase; minus strand). Cytogenetic location: 1p34.1.
Variant type: single nucleotide variant.
Coding change: c.110G>C on transcript NM_001048174.2 (MANE Select); coding-DNA position 110, G replaced by C.
Protein change: p.Cys37Ser; replaces cysteine 37 with serine.
Molecular consequence: missense variant. On other transcripts: 5 prime UTR variant (7), non-coding transcript variant (7).
Genome position (GRCh38, 1-based): chr1:45,334,396, C>G on the plus strand (G>C on the coding strand, the complement: MUTYH is on the minus strand). VCF-style: chr1-45334396-C-G. GRCh37 (hg19) VCF-style: chr1-45800068-C-G.
Other names: c.110G>C, p.Cys37Ser (NM_001048171.2, NM_001048172.2, NM_001048173.2 and 15 more transcripts); c.152G>C, p.Cys51Ser (NM_001128425.2, NM_001293190.2, NM_001407069.1 and 2 more transcripts); c.-103G>C (NM_001293192.2, NM_001293196.2, NM_001407091.1); c.-162G>C (NM_001350650.2); c.-98G>C (NM_001350651.2, NM_001407082.1); c.-47G>C (NM_001407075.1); c.128G>C, p.Cys43Ser (NM_001407087.1); short protein forms C37S, C51S, C43S.
Identifiers: ClinVar variation 4113332 (VCV004113332.1).